The following is an entry in ClinVar:

ClinVar aggregate classification (germline): Likely benign (1 of 4 stars; one submission).

Submission:

CeGaT Center for Human Genetics Tuebingen
Classification: Likely benign. Last evaluated: 2024-06-01. Review status: criteria provided, single submitter. Criteria: CeGaT Center For Human Genetics Tuebingen Variant Classification Criteria Version 2. Collection method: clinical testing. Allele origin: germline. Affected: yes. Observed: 1 variant allele.
Comment: MUC21: PM4, BS2

NM_001010909.5(MUC21):c.800_801insTAGCACAGCCACCAACTCTGACTCCAGCACAACCTCCAGTGGGGC (p.Ala267_Gly268insSerThrAlaThrAsnSerAspSerSerThrThrSerSerGlyAla)

Genes: MUC21 (mucin 21, cell surface associated; plus strand), LOC126859647 (CDK7 strongly-dependent group 2 enhancer GRCh37_chr6:30954612-30955811; plus strand). Cytogenetic location: 6p21.33.
Variant type: Indel.
Coding change: c.800_801insTAGCACAGCCACCAACTCTGACTCCAGCACAACCTCCAGTGGGGC on transcript NM_001010909.5 (MANE Select); coding-DNA positions 800 to 801, TAGCACAGCCACCAACTCTGACTCCAGCACAACCTCCAGTGGGGC inserted.
Protein change: p.Ala267_Gly268insSerThrAlaThrAsnSerAspSerSerThrThrSerSerGlyAla.
Molecular consequence: inframe insertion. On other transcripts: non-coding transcript variant (1).
Genome position: GRCh38: chr6:30,986,975-30,986,976. GRCh37 (hg19): chr6:30,954,752-30,954,753.
Other names: c.890_891insTAGCACAGCCACCAACTCTGACTCCAGCACAACCTCCAGTGGGGC, p.Ser303_Glu304insAspSerSerThrThrSerSerGlyAlaSerThrAlaThrAsnSer (NM_001322370.2); c.891_935dup, p.Ala312_Gly313insSerThrAlaThrAsnSerAspSerSerThrThrSerSerGlyAla (NM_001322371.2).
Identifiers: ClinVar variation 3250763 (VCV003250763.18), dbSNP rs770736114.